The following is an entry in ClinVar:

ClinVar aggregate classification (germline): Uncertain significance (1 of 4 stars; one submission).

Conditions:
SEMA3B-related disorder. Also called: SEMA3B-related condition.

gnomAD v4.1: 10 of 1,613,260 alleles (0.00062%); highest among the groups gnomAD compares: Admixed American, 0.012%; no homozygotes.

Submission:

PreventionGenetics, part of Exact Sciences
Classification: Uncertain significance for SEMA3B-related condition. Last evaluated: 2026-05-05. Review status: criteria provided, single submitter. Criteria: ACMG Guidelines, 2015. Collection method: clinical testing. Allele origin: germline.
Comment: The SEMA3B c.1141C>T variant is predicted to result in the amino acid substitution p.Arg381Trp. To our knowledge, this variant has not been reported in the literature or in a large population database (gnomAD), indicating this variant is rare. At this time, the clinical significance of this variant is uncertain due to the absence of conclusive functional and genetic evidence.

NM_001290060.2(SEMA3B):c.1126C>T (p.Arg376Trp)

Gene: SEMA3B (semaphorin 3B; plus strand). Cytogenetic location: 3p21.31.
Variant type: single nucleotide variant.
Coding change: c.1126C>T on transcript NM_001290060.2 (MANE Select); coding-DNA position 1126, C replaced by T.
Protein change: p.Arg376Trp; replaces arginine 376 with tryptophan.
Molecular consequence: missense variant.
Genome position (GRCh38, 1-based): chr3:50,274,046, C>T. VCF-style: chr3-50274046-C-T. GRCh37 (hg19) VCF-style: chr3-50311477-C-T.
Other names: c.1123C>T, p.Arg375Trp (NM_001005914.3); c.1141C>T, p.Arg381Trp (NM_001290061.1); c.97C>T, p.Arg33Trp (NM_001290062.2, NM_001290063.2); c.1126C>T, p.Arg376Trp (NM_004636.4); short protein forms R33W, R375W, R376W, R381W.
Identifiers: ClinVar variation 3357852 (VCV003357852.2).